The following is an entry in ClinVar:

ClinVar aggregate classification (germline): Conflicting classifications of pathogenicity. Review status: criteria provided, conflicting classifications (1 of 4 stars). 3 submissions from 3 submitters: Likely pathogenic (1); Uncertain significance (1). 1 of the submissions does not count toward it. Last evaluated 2021-03-01.

Conditions:
Marfan syndrome (MFS). Also called: Marfan syndrome type 1; Marfan's syndrome; FBN1-Related Marfan Syndrome; MARFAN SYNDROME, TYPE I; Marfan syndrome, classic. Identifiers: Orphanet 284963, Orphanet 558, MedGen C0024796, MONDO:0007947, OMIM 154700.
Familial thoracic aortic aneurysm and aortic dissection (TAAD). Also called: Thoracic aortic aneurysms and dissections. Identifiers: Orphanet 91387, MedGen C4707243, MONDO:0019625.

Submissions (3):

Centre of Medical Genetics, University of Antwerp
Classification: Likely pathogenic for Marfan syndrome. Last evaluated: 2021-03-01. Review status: criteria provided, single submitter. Criteria: Submitter's publication. Collection method: research. Allele origin: unknown. Affected: yes.
Comment: PM2, PS7, PP4

CHEO Genetics Diagnostic Laboratory, Children's Hospital of Eastern Ontario
Classification: Uncertain significance for Familial thoracic aortic aneurysm and aortic dissection. Last evaluated: 2019-07-03. Review status: criteria provided, single submitter. Criteria: ACMG Guidelines, 2015. Collection method: clinical testing. Allele origin: germline.

Department of Laboratory Medicine and Genetics, Samsung Medical Center
Classification: Pathogenic for Marfan syndrome. Last evaluated: 2025-01-02. Review status: no assertion criteria provided. Collection method: clinical testing. Allele origin: germline. Affected: yes. Not counted in ClinVar's aggregate classification.
Comment: The NM_000138.5:c.6380A>T is considered to be rare in the general population database (gnomAD v2.1.1). This variant is predicted to be deleterious by in-silico analysis (REVEL). This variant is located in functional domains and a different missense variant at the same residue is determined to be pathogenic (c.6379G>A, p.Asp2127Asn and c.6379G>T, p.Asp2127Tyr). This variant was found in a patient with Marfan syndrome (PMID: 20538085; 35058154). According to the ClinGen guidance for PP1/BS4 and PP4 criteria (PMID: 38103548), PP4 with weighted strength was applied. In summary, this variant was classified as a pathogenic variant for Marfan syndrome (PM1, PM5, PS4_M, PP2, PP3, PP4 with weighted strength, PM2_P).

Literature cited by the submitters: PubMed 20538085 (cited by Department of Laboratory Medicine and Genetics, Samsung Medical Center); PubMed 35058154 (cited by Department of Laboratory Medicine and Genetics, Samsung Medical Center); PubMed 37558401 (cited by Department of Laboratory Medicine and Genetics, Samsung Medical Center).

NM_000138.5(FBN1):c.6380A>T (p.Asp2127Val)

Gene: FBN1 (fibrillin 1; minus strand). Cytogenetic location: 15q21.1.
Variant type: single nucleotide variant.
Coding change: c.6380A>T on transcript NM_000138.5 (MANE Select); coding-DNA position 6380, A replaced by T.
Protein change: p.Asp2127Val; replaces aspartic acid 2127 with valine.
Molecular consequence: missense variant.
Genome position (GRCh38, 1-based): chr15:48,437,077, T>A on the plus strand (A>T on the coding strand, the complement: FBN1 is on the minus strand). VCF-style: chr15-48437077-T-A. GRCh37 (hg19) VCF-style: chr15-48729274-T-A.
Other names: short protein forms D2127V.
Identifiers: ClinVar variation 1325439 (VCV001325439.16), dbSNP rs2141240523, ClinGen allele CA392336720.
Genomic context (GRCh38, chr15:48,437,077, plus strand): 5'-CCATCTGTATTGATGCACTGTCCATGTTTACAGACATCGGGTTCTTTGCATTCGTCCATA[T>A]CTTAAGCAAGAGAAAAAAAATAGTGAATAACAAGGTATTTTTTAAACGTGAAGATAAATT-3'
Protein context (NP_000129.3, residues 2117-2137): IIVGPDDSAV[Asp2127Val]MDECKEPDVC